The following is an entry in ClinVar:

ClinVar aggregate classification (germline): Uncertain significance (1 of 4 stars; one submission).

Conditions:
Neuronal ceroid lipofuscinosis 13 (CLN13). Also called: CLN13 Disease; CEROID LIPOFUSCINOSIS, NEURONAL, 13 (KUFS TYPE). Identifiers: Orphanet 352709, Orphanet 79262, MedGen C3715049, MONDO:0014147, OMIM 615362.

Submission:

Labcorp Genetics (formerly Invitae), Labcorp
Classification: Uncertain significance for Neuronal ceroid lipofuscinosis 13. Last evaluated: 2024-02-23. Review status: criteria provided, single submitter. Criteria: Invitae Variant Classification Sherloc (09022015). Collection method: clinical testing. Allele origin: germline.
Comment: This variant, c.245_256del, results in the deletion of 4 amino acid(s) of the CTSF protein (p.Ala82_Glu85del), but otherwise preserves the integrity of the reading frame. This variant is present in population databases (rs768598547, gnomAD 0.007%). This variant has not been reported in the literature in individuals affected with CTSF-related conditions. ClinVar contains an entry for this variant (Variation ID: 2201564). Experimental studies and prediction algorithms are not available or were not evaluated, and the functional significance of this variant is currently unknown. In summary, the available evidence is currently insufficient to determine the role of this variant in disease. Therefore, it has been classified as a Variant of Uncertain Significance.

NM_003793.4(CTSF):c.245_256del (p.Ala82_Glu85del)

Gene: CTSF (cathepsin F; minus strand). Cytogenetic location: 11q13.2.
Variant type: Deletion.
Coding change: c.245_256del on transcript NM_003793.4 (MANE Select); coding-DNA positions 245 to 256, 12 bases deleted (CCACCCTGGAGG).
Protein change: p.Ala82_Glu85del.
Molecular consequence: inframe deletion.
Genome position (GRCh38, 1-based): chr11:66,568,040-66,568,051, CCTCCAGGGTGG deleted on the plus strand (CCACCCTGGAGG on the coding strand, the reverse complement: CTSF is on the minus strand); deleting any 12 consecutive bases within chr11:66,568,040-66,568,060 gives the same sequence; the c. name uses the placement nearest the transcript's 3' end. VCF-style (leftmost placement, unchanged base first): chr11-66568039-TCCTCCAGGGTGG-T. GRCh37 (hg19) VCF-style: chr11-66335510-TCCTCCAGGGTGG-T.
Identifiers: ClinVar variation 2201564 (VCV002201564.3), dbSNP rs768598547, ClinGen allele CA6125657.